The following is an entry in ClinVar:

NM_022552.5(DNMT3A):c.2339T>C (p.Ile780Thr)

Gene: DNMT3A (DNA methyltransferase 3 alpha; minus strand). Cytogenetic location: 2p23.3.
Variant type: single nucleotide variant.
Coding change: c.2339T>C on transcript NM_022552.5 (MANE Select); coding-DNA position 2339, T replaced by C.
Protein change: p.Ile780Thr; replaces isoleucine 780 with threonine.
Molecular consequence: missense variant. On other transcripts: non-coding transcript variant (1).
Genome position (GRCh38, 1-based): chr2:25,239,199, A>G on the plus strand (T>C on the coding strand, the complement: DNMT3A is on the minus strand). VCF-style: chr2-25239199-A-G. GRCh37 (hg19) VCF-style: chr2-25462068-A-G.
Other names: c.1883T>C, p.Ile628Thr (NM_001320893.1); c.1670T>C, p.Ile557Thr (NM_001375819.1); c.1772T>C, p.Ile591Thr (NM_153759.3); c.2339T>C, p.Ile780Thr (NM_175629.2); short protein forms I628T, I780T, I591T, I557T.
Identifiers: ClinVar variation 4748141 (VCV004748141.1).

ClinVar aggregate classification (germline): Uncertain significance (1 of 4 stars; one submission).

Conditions:
Tatton-Brown-Rahman overgrowth syndrome. Also called: Tatton-Brown-Rahman syndrome; Tall stature-intellectual disability-facial dysmorphism syndrome. Identifiers: Orphanet 404443, MedGen C4014545, MONDO:0014382, OMIM 615879.

gnomAD v4.1: 29 of 1,613,668 alleles (0.0018%); highest among the groups gnomAD compares: Middle Eastern, 0.016%; no homozygotes.

Submission:

Labcorp Genetics (formerly Invitae), Labcorp
Classification: Uncertain significance for Tatton-Brown-Rahman overgrowth syndrome. Last evaluated: 2025-04-02. Review status: criteria provided, single submitter. Criteria: Invitae Variant Classification Sherloc (09022015). Collection method: clinical testing. Allele origin: germline.
Comment: This sequence change replaces isoleucine, which is neutral and non-polar, with threonine, which is neutral and polar, at codon 780 of the DNMT3A protein (p.Ile780Thr). This variant is present in population databases (rs370751539, gnomAD 0.008%). This variant has not been reported in the literature in individuals affected with DNMT3A-related conditions. Invitae Evidence Modeling of protein sequence and biophysical properties (such as structural, functional, and spatial information, amino acid conservation, physicochemical variation, residue mobility, and thermodynamic stability) indicates that this missense variant is expected to disrupt DNMT3A protein function with a positive predictive value of 95%. In summary, the available evidence is currently insufficient to determine the role of this variant in disease. Therefore, it has been classified as a Variant of Uncertain Significance.